The following is an entry in ClinVar:

NM_001042492.3(NF1):c.3914T>A (p.Leu1305Ter)

Gene: NF1 (neurofibromin 1; plus strand). Cytogenetic location: 17q11.2.
Variant type: single nucleotide variant.
Coding change: c.3914T>A on transcript NM_001042492.3 (MANE Select); coding-DNA position 3914, T replaced by A.
Protein change: p.Leu1305Ter; replaces leucine 1305 with a stop codon.
Molecular consequence: nonsense.
Genome position (GRCh38, 1-based): chr17:31,235,961, T>A. VCF-style: chr17-31235961-T-A. GRCh37 (hg19) VCF-style: chr17-29562979-T-A.
Other names: c.3914T>A, p.Leu1305Ter (NM_000267.4); short protein forms L1305*.
Identifiers: ClinVar variation 1457349 (VCV001457349.8), dbSNP rs2151438600, ClinGen allele CA398993135.

ClinVar aggregate classification (germline): Pathogenic. Review status: criteria provided, multiple submitters, no conflicts (2 of 4 stars). 3 submissions from 3 submitters: Pathogenic (3). Last evaluated 2026-07-09.

Conditions:
Neurofibromatosis, type 1 (NF1). Also called: VON RECKLINGHAUSEN DISEASE; Peripheral type neurofibromatosis; NEUROFIBROMATOSIS, TYPE I, SOMATIC; Neurofibromatosis, type I. Identifiers: Orphanet 636, MedGen C0027831, MONDO:0018975, OMIM 162200. Disease mechanism: loss of function.

Submissions (3):

Myriad Genetics, Inc.
Classification: Pathogenic for Neurofibromatosis, type 1. Last evaluated: 2026-07-09. Review status: criteria provided, single submitter. Criteria: Myriad Autosomal Dominant, Autosomal Recessive and X-Linked Classification Criteria (2023). Collection method: clinical testing. Allele origin: unknown.
Comment: This variant is considered pathogenic. This variant creates a termination codon and is predicted to result in premature protein truncation.

GeneDx
Classification: Pathogenic. Last evaluated: 2024-11-26. Review status: criteria provided, single submitter. Criteria: GeneDx Variant Classification Process June 2021. Collection method: clinical testing. Allele origin: germline. Affected: yes.
Comment: Nonsense variant predicted to result in protein truncation or nonsense mediated decay in a gene for which loss of function is a known mechanism of disease; Not observed at significant frequency in large population cohorts (gnomAD); Observed in a patient with rhabdomyosarcoma who also harbored a loss of function variant in PTCH2 (PMID: 29847298); This variant is associated with the following publications: (PMID: 29847298)

Labcorp Genetics (formerly Invitae), Labcorp
Classification: Pathogenic for Neurofibromatosis, type 1. Last evaluated: 2023-12-29. Review status: criteria provided, single submitter. Criteria: Invitae Variant Classification Sherloc (09022015). Collection method: clinical testing. Allele origin: germline.
Comment: This sequence change creates a premature translational stop signal (p.Leu1305*) in the NF1 gene. It is expected to result in an absent or disrupted protein product. Loss-of-function variants in NF1 are known to be pathogenic (PMID: 10712197, 23913538). This variant is not present in population databases (gnomAD no frequency). This variant has not been reported in the literature in individuals affected with NF1-related conditions. ClinVar contains an entry for this variant (Variation ID: 1457349). For these reasons, this variant has been classified as Pathogenic.

Literature cited by the submitters: PubMed 10712197 (cited by Labcorp Genetics (formerly Invitae), Labcorp); PubMed 23913538 (cited by Labcorp Genetics (formerly Invitae), Labcorp).